The following is an entry in ClinVar:

ClinVar aggregate classification (germline): Likely benign. Review status: criteria provided, multiple submitters, no conflicts (2 of 4 stars). 2 submissions from 2 submitters: Likely benign (2). Last evaluated 2023-09-09.

Conditions:
Spastic paraplegia. Identifiers: MedGen C0037772, HP:0001258.

Allele frequency attached by ClinVar (database versions not stated): gnomAD 0.00003; ExAC 0.00006; gnomAD exomes 0.00006; TOPMed 0.00006.
gnomAD v4.1: 25 of 1,602,028 alleles (0.0016%); highest among the groups gnomAD compares: Admixed American, 0.04%; no homozygotes.

Submissions (2):

Labcorp Genetics (formerly Invitae), Labcorp
Classification: Likely benign for Spastic paraplegia. Last evaluated: 2023-09-09. Review status: criteria provided, single submitter. Criteria: Invitae Variant Classification Sherloc (09022015). Collection method: clinical testing. Allele origin: germline.

GeneDx
Classification: Likely benign. Last evaluated: 2017-04-07. Review status: criteria provided, single submitter. Criteria: GeneDx Variant Classification (06012015). Collection method: clinical testing. Allele origin: germline. Affected: yes.
Comment: This variant is considered likely benign or benign based on one or more of the following criteria: it is a conservative change, it occurs at a poorly conserved position in the protein, it is predicted to be benign by multiple in silico algorithms, and/or has population frequency not consistent with disease.

NM_007347.5(AP4E1):c.1429+12A>C

Gene: AP4E1 (adaptor related protein complex 4 subunit epsilon 1; plus strand). Cytogenetic location: 15q21.2.
Variant type: single nucleotide variant.
Coding change: c.1429+12A>C on transcript NM_007347.5 (MANE Select); 12 bases into the intron after coding-DNA position 1429, A replaced by C.
Molecular consequence: intron variant.
Genome position (GRCh38, 1-based): chr15:50,949,950, A>C. VCF-style: chr15-50949950-A-C. GRCh37 (hg19) VCF-style: chr15-51242147-A-C.
Other names: c.1204+12A>C (NM_001252127.2).
Identifiers: ClinVar variation 508688 (VCV000508688.8), dbSNP rs768941074, ClinGen allele CA7559064.